The following is an entry in ClinVar:

ClinVar aggregate classification (germline): Uncertain significance. Review status: criteria provided, multiple submitters, no conflicts (2 of 4 stars). 2 submissions from 2 submitters: Uncertain significance (2). Last evaluated 2023-02-15.

Conditions:
Inborn genetic diseases. Identifiers: MedGen C0950123, MeSH D030342.

Allele frequency attached by ClinVar (database versions not stated): ExAC 0.00001; TOPMed 0.00001; gnomAD 0.00003.
gnomAD v4.1: 19 of 1,587,262 alleles (0.0012%); highest among the groups gnomAD compares: South Asian, 0.014%; no homozygotes.

Submissions (2):

Ambry Genetics
Classification: Uncertain significance for Inborn genetic diseases. Last evaluated: 2023-02-15. Review status: criteria provided, single submitter. Criteria: Ambry Variant Classification Scheme 2023. Collection method: clinical testing. Allele origin: germline.

Labcorp Genetics (formerly Invitae), Labcorp
Classification: Uncertain significance. Last evaluated: 2022-10-18. Review status: criteria provided, single submitter. Criteria: Invitae Variant Classification Sherloc (09022015). Collection method: clinical testing. Allele origin: germline.
Comment: In summary, the available evidence is currently insufficient to determine the role of this variant in disease. Therefore, it has been classified as a Variant of Uncertain Significance. Advanced modeling of protein sequence and biophysical properties (such as structural, functional, and spatial information, amino acid conservation, physicochemical variation, residue mobility, and thermodynamic stability) performed at Invitae indicates that this missense variant is not expected to disrupt PDE6B protein function. ClinVar contains an entry for this variant (Variation ID: 953384). This variant has not been reported in the literature in individuals affected with PDE6B-related conditions. This variant is present in population databases (rs767873714, gnomAD 0.02%). This sequence change replaces serine, which is neutral and polar, with leucine, which is neutral and non-polar, at codon 638 of the PDE6B protein (p.Ser638Leu).

NM_000283.4(PDE6B):c.1913C>T (p.Ser638Leu)

Gene: PDE6B (phosphodiesterase 6B; plus strand). Cytogenetic location: 4p16.3.
Variant type: single nucleotide variant.
Coding change: c.1913C>T on transcript NM_000283.4 (MANE Select); coding-DNA position 1913, C replaced by T.
Protein change: p.Ser638Leu; replaces serine 638 with leucine.
Molecular consequence: missense variant.
Genome position (GRCh38, 1-based): chr4:663,180, C>T. VCF-style: chr4-663180-C-T. GRCh37 (hg19) VCF-style: chr4-656969-C-T.
Other names: c.1913C>T, p.Ser638Leu (NM_001145291.2); c.1076C>T, p.Ser359Leu (NM_001145292.2, NM_001350154.3, NM_001379246.1 and 1 more transcripts); c.758C>T, p.Ser253Leu (NM_001350155.3); short protein forms S359L, S638L, S253L.
Identifiers: ClinVar variation 953384 (VCV000953384.11), dbSNP rs767873714, ClinGen allele CA2794748.
Genomic context (GRCh38, chr4:663,180, plus strand): 5'-AGCTCCACGGCTCCTCGATTTTGGAGCGGCACCACCTGGAGTTTGGGAAGTTCCTGCTCT[C>T]GGAGGAGGTTGGTATACTCACCCTCGGTTTCTGCTGTGGGCGCTGGGGACGCAGCGTCCG-3'
Protein context (NP_000274.3, residues 628-648): HHLEFGKFLL[Ser638Leu]EETLNIYQNL